The following is an entry in ClinVar:

ClinVar aggregate classification (germline): Conflicting classifications of pathogenicity. Review status: criteria provided, conflicting classifications (1 of 4 stars). 3 submissions from 3 submitters: Uncertain significance (2); Likely benign (1). Last evaluated 2023-03-23.

Conditions:
Hereditary cancer-predisposing syndrome. Also called: Tumor predisposition; Hereditary neoplastic syndrome; Hereditary Cancer Syndrome; Neoplastic Syndromes, Hereditary. Identifiers: Orphanet 140162, MedGen C0027672, MeSH D009386, MONDO:0015356.
Hereditary breast ovarian cancer syndrome. Also called: Hereditary breast and ovarian cancer; Breast and ovarian cancer; Hereditary breast and ovarian cancer syndrome; BRCA1- and BRCA2-Associated Hereditary Breast and Ovarian Cancer; Hereditary breast and/or ovarian cancer syndrome; Hereditary breast and ovarian cancer syndrome (HBOC). Identifiers: Orphanet 145, MedGen C0677776, MeSH D061325, MONDO:0003582. Disease mechanism: loss of function.

Allele frequency attached by ClinVar (database versions not stated): ExAC 0.00001; gnomAD exomes 0.00001.
gnomAD v4.1: 2 of 1,613,748 alleles (0.00012%); highest among the groups gnomAD compares: South Asian, 0.0022%; no homozygotes.

Submissions (3):

University of Washington Department of Laboratory Medicine, University of Washington
Classification: Likely benign for Hereditary cancer-predisposing syndrome. Last evaluated: 2023-03-23. Review status: criteria provided, single submitter. Criteria: Dines et al. (Genet Med. 2020). Collection method: curation. Allele origin: germline.
Comment: Missense variant in a coldspot region where missense variants are very unlikely to be pathogenic (PMID:31911673).

BRCA1 coldspot (exon 11 using historical exon numbering). Reclassification based on statistical prior probability

Color Diagnostics, LLC DBA Color Health
Classification: Uncertain significance for Hereditary cancer-predisposing syndrome. Last evaluated: 2022-01-24. Review status: criteria provided, single submitter. Criteria: ACMG Guidelines, 2015. Collection method: clinical testing. Allele origin: germline.
Comment: This missense variant replaces aspartic acid with asparagine at codon 1362 of the BRCA1 protein. Computational prediction suggests that this variant may not impact protein structure and function (internally defined REVEL score threshold <= 0.5, PMID: 27666373). To our knowledge, functional studies have not been reported for this variant. This variant has not been reported in individuals affected with hereditary cancer in the literature. This variant has been identified in 2/250766 chromosomes in the general population by the Genome Aggregation Database (gnomAD). The available evidence is insufficient to determine the role of this variant in disease conclusively. Therefore, this variant is classified as a Variant of Uncertain Significance.

Labcorp Genetics (formerly Invitae), Labcorp
Classification: Uncertain significance for Hereditary breast ovarian cancer syndrome. Last evaluated: 2020-04-12. Review status: criteria provided, single submitter. Criteria: Invitae Variant Classification Sherloc (09022015). Collection method: clinical testing. Allele origin: germline.
Comment: This sequence change replaces aspartic acid with asparagine at codon 1362 of the BRCA1 protein (p.Asp1362Asn). The aspartic acid residue is moderately conserved and there is a small physicochemical difference between aspartic acid and asparagine. This variant is present in population databases (rs775463394, ExAC 0.006%). This variant has not been reported in the literature in individuals with BRCA1-related disease. Algorithms developed to predict the effect of missense changes on protein structure and function (SIFT, PolyPhen-2, Align-GVGD) all suggest that this variant is likely to be tolerated, but these predictions have not been confirmed by published functional studies and their clinical significance is uncertain. In summary, the available evidence is currently insufficient to determine the role of this variant in disease. Therefore, it has been classified as a Variant of Uncertain Significance.

NM_007294.4(BRCA1):c.4084G>A (p.Asp1362Asn)

Genes: BRCA1 (BRCA1 DNA repair associated; minus strand), LOC126862571 (BRD4-independent group 4 enhancer GRCh37_chr17:41243136-41244335; plus strand). Cytogenetic location: 17q21.31.
Variant type: single nucleotide variant.
Coding change: c.4084G>A on transcript NM_007294.4 (MANE Select); coding-DNA position 4084, G replaced by A.
Protein change: p.Asp1362Asn; replaces aspartic acid 1362 with asparagine.
Molecular consequence: missense variant. On other transcripts: intron variant (135).
Genome position (GRCh38, 1-based): chr17:43,091,447, C>T on the plus strand (G>A on the coding strand, the complement: BRCA1 is on the minus strand). VCF-style: chr17-43091447-C-T. GRCh37 (hg19) VCF-style: chr17-41243464-C-T.
Other names: c.4081G>A, p.Asp1361Asn (NM_001407614.1, NM_001407615.1, NM_001407860.1 and 22 more transcripts); c.4003G>A, p.Asp1335Asn (NM_001407659.1, NM_001407660.1, NM_001407661.1 and 1 more transcripts); c.4084G>A, p.Asp1362Asn (NM_001407858.1, NM_001407859.1, NM_001407616.1 and 30 more transcripts); c.3943G>A, p.Asp1315Asn (NM_001407727.1, NM_001407728.1, NM_001407729.1 and 29 more transcripts); c.4006G>A, p.Asp1336Asn (NM_001407663.1, NM_001407653.1, NM_001407654.1 and 4 more transcripts); c.3883G>A, p.Asp1295Asn (NM_001407862.1); c.3961G>A, p.Asp1321Asn (NM_001407664.1, NM_001407863.1, NM_001407665.1 and 19 more transcripts); c.3880G>A, p.Asp1294Asn (NM_001407874.1, NM_001407875.1); and 41 more; short protein forms D1362N, D1315N, D1066N, D1251N, D1320N, D1361N, D494N, D1194N.
Identifiers: ClinVar variation 575669 (VCV000575669.15), dbSNP rs775463394, ClinGen allele CA058970.